The following is an entry in ClinVar:

ClinVar aggregate classification (germline): Uncertain significance (1 of 4 stars; one submission).

Conditions:
Candidiasis, familial, 9 (CANDF9). Identifiers: Orphanet 1334, MedGen C4225324, MONDO:0014642, OMIM 616445.

gnomAD v4.1: 3 of 1,614,158 alleles (0.00019%); highest among the groups gnomAD compares: East Asian, 0.0022%; no homozygotes.

Submission:

Labcorp Genetics (formerly Invitae), Labcorp
Classification: Uncertain significance for Candidiasis, familial, 9. Last evaluated: 2024-12-08. Review status: criteria provided, single submitter. Criteria: Invitae Variant Classification Sherloc (09022015). Collection method: clinical testing. Allele origin: germline.
Comment: This sequence change replaces alanine, which is neutral and non-polar, with serine, which is neutral and polar, at codon 70 of the IL17RC protein (p.Ala70Ser). This variant is present in population databases (no rsID available, gnomAD 0.006%). This variant has not been reported in the literature in individuals affected with IL17RC-related conditions. An algorithm developed to predict the effect of missense changes on protein structure and function (PolyPhen-2) suggests that this variant is likely to be tolerated. In summary, the available evidence is currently insufficient to determine the role of this variant in disease. Therefore, it has been classified as a Variant of Uncertain Significance.

NM_153460.4(IL17RC):c.105+103G>T

Gene: IL17RC (interleukin 17 receptor C; plus strand). Cytogenetic location: 3p25.3.
Variant type: single nucleotide variant.
Coding change: c.105+103G>T on transcript NM_153460.4 (MANE Select); 103 bases into the intron after coding-DNA position 105, G replaced by T.
Molecular consequence: intron variant. On other transcripts: missense variant (1).
Genome position (GRCh38, 1-based): chr3:9,917,523, G>T. VCF-style: chr3-9917523-G-T. GRCh37 (hg19) VCF-style: chr3-9959207-G-T.
Other names: c.208G>T, p.Ala70Ser (NM_153461.4); c.105+103G>T (NM_001203263.2, NM_001203264.2, NM_001367278.1 and 5 more transcripts); short protein forms A70S.
Identifiers: ClinVar variation 3623435 (VCV003623435.2).